The following is an entry in ClinVar:

NM_000465.4(BARD1):c.20C>G (p.Pro7Arg)

Gene: BARD1 (BRCA1 associated RING domain 1; minus strand). Cytogenetic location: 2q35.
Variant type: single nucleotide variant.
Coding change: c.20C>G on transcript NM_000465.4 (MANE Select); coding-DNA position 20, C replaced by G.
Protein change: p.Pro7Arg; replaces proline 7 with arginine.
Molecular consequence: missense variant. On other transcripts: non-coding transcript variant (3).
Genome position (GRCh38, 1-based): chr2:214,809,550, G>C on the plus strand (C>G on the coding strand, the complement: BARD1 is on the minus strand). VCF-style: chr2-214809550-G-C. GRCh37 (hg19) VCF-style: chr2-215674274-G-C.
Other names: c.20C>G (NM_000465.2); c.20C>G, p.Pro7Arg (NM_001282543.2, NM_001282545.2, NM_001282548.2 and 1 more transcripts); short protein forms P7R.
Identifiers: ClinVar variation 836291 (VCV000836291.17), dbSNP rs1696475875, ClinGen allele CA350465436.

ClinVar aggregate classification (germline): Conflicting classifications of pathogenicity. Review status: criteria provided, conflicting classifications (1 of 4 stars). 3 submissions from 3 submitters: Uncertain significance (2); Likely benign (1). Last evaluated 2024-04-22.

Conditions:
Hereditary cancer-predisposing syndrome. Also called: Hereditary neoplastic syndrome; Neoplastic Syndromes, Hereditary; Tumor predisposition; Hereditary Cancer Syndrome. Identifiers: Orphanet 140162, MedGen C0027672, MeSH D009386, MONDO:0015356.
Familial cancer of breast. Also called: hereditary breast carcinoma; BREAST CANCER, FAMILIAL; Hereditary breast cancer. Identifiers: Orphanet 227535, MedGen C0346153, MONDO:0016419, OMIM 114480. Disease mechanism: loss of function.

gnomAD v4.1: 1 of 1,567,522 alleles (0.000064%); highest among the groups gnomAD compares: Non-Finnish European, 0.000086%; no homozygotes.

Submissions (3):

Labcorp Genetics (formerly Invitae), Labcorp
Classification: Uncertain significance for Familial cancer of breast. Last evaluated: 2024-04-22. Review status: criteria provided, single submitter. Criteria: Invitae Variant Classification Sherloc (09022015). Collection method: clinical testing. Allele origin: germline.
Comment: This sequence change replaces proline, which is neutral and non-polar, with arginine, which is basic and polar, at codon 7 of the BARD1 protein (p.Pro7Arg). This variant is not present in population databases (gnomAD no frequency). This variant has not been reported in the literature in individuals affected with BARD1-related conditions. ClinVar contains an entry for this variant (Variation ID: 836291). Algorithms developed to predict the effect of missense changes on protein structure and function output the following: SIFT: "Not Available"; PolyPhen-2: "Possibly Damaging"; Align-GVGD: "Not Available". The arginine amino acid residue is found in multiple mammalian species, which suggests that this missense change does not adversely affect protein function. In summary, the available evidence is currently insufficient to determine the role of this variant in disease. Therefore, it has been classified as a Variant of Uncertain Significance.

Color Diagnostics, LLC DBA Color Health
Classification: Uncertain significance for Hereditary cancer-predisposing syndrome. Last evaluated: 2024-03-07. Review status: criteria provided, single submitter. Criteria: ACMG Guidelines, 2015. Collection method: clinical testing. Allele origin: germline.
Comment: This missense variant replaces proline with arginine at codon 7 of the BARD1 protein. Computational prediction suggests that this variant may not impact protein structure and function (internally defined REVEL score threshold <= 0.5, PMID: 27666373). Splice site prediction tools suggest that this variant may not impact RNA splicing. To our knowledge, functional studies have not been performed for this variant. This variant has not been reported in individuals affected with hereditary cancer in the literature. This variant has not been identified in the general population by the Genome Aggregation Database (gnomAD). The available evidence is insufficient to determine the role of this variant in disease conclusively. Therefore, this variant is classified as a Variant of Uncertain Significance.

Ambry Genetics
Classification: Likely benign for Hereditary cancer-predisposing syndrome. Last evaluated: 2022-10-11. Review status: criteria provided, single submitter. Criteria: Ambry Variant Classification Scheme 2023. Collection method: clinical testing. Allele origin: germline.